The following is an entry in ClinVar:

NM_001142800.2(EYS):c.3441C>A (p.Cys1147Ter)

Gene: EYS (EGF-like photoreceptor maintenance factor; minus strand). Cytogenetic location: 6q12.
Variant type: single nucleotide variant.
Coding change: c.3441C>A on transcript NM_001142800.2 (MANE Select); coding-DNA position 3441, C replaced by A.
Protein change: p.Cys1147Ter; replaces cysteine 1147 with a stop codon.
Molecular consequence: nonsense.
Genome position (GRCh38, 1-based): chr6:64,813,380, G>T on the plus strand (C>A on the coding strand, the complement: EYS is on the minus strand). VCF-style: chr6-64813380-G-T. GRCh37 (hg19) VCF-style: chr6-65523273-G-T.
Other names: c.3441C>A, p.Cys1147Ter (NM_001292009.2); short protein forms C1147*.
Identifiers: ClinVar variation 1396105 (VCV001396105.7), dbSNP rs2150016080, ClinGen allele CA364786670.

ClinVar aggregate classification (germline): Pathogenic. Review status: criteria provided, multiple submitters, no conflicts (2 of 4 stars). 2 submissions from 2 submitters: Pathogenic (2). Last evaluated 2024-12-02.

Conditions:
Retinal dystrophy. Also called: Inherited retinal dystrophy. Identifiers: Orphanet 71862, MedGen C0854723, MeSH D058499, MONDO:0019118, HP:0000556.

Submissions (2):

Labcorp Genetics (formerly Invitae), Labcorp
Classification: Pathogenic. Last evaluated: 2024-12-02. Review status: criteria provided, single submitter. Criteria: Invitae Variant Classification Sherloc (09022015). Collection method: clinical testing. Allele origin: germline.
Comment: This sequence change creates a premature translational stop signal (p.Cys1147*) in the EYS gene. It is expected to result in an absent or disrupted protein product. Loss-of-function variants in EYS are known to be pathogenic (PMID: 18836446, 20333770). This variant is not present in population databases (gnomAD no frequency). This variant has not been reported in the literature in individuals affected with EYS-related conditions. ClinVar contains an entry for this variant (Variation ID: 1396105). For these reasons, this variant has been classified as Pathogenic.

Dept Of Ophthalmology, Nagoya University
Classification: Pathogenic for Retinal dystrophy. Last evaluated: 2023-10-01. Review status: criteria provided, single submitter. Criteria: Submitter's publication. Collection method: research. Allele origin: germline. Affected: yes.

Literature cited by the submitters: PubMed 18836446 (cited by Labcorp Genetics (formerly Invitae), Labcorp); PubMed 20333770 (cited by Labcorp Genetics (formerly Invitae), Labcorp).